The following is an entry in ClinVar:

NM_000181.4(GUSB):c.307C>T (p.Arg103Trp)

Gene: GUSB (glucuronidase beta; minus strand). Cytogenetic location: 7q11.21.
Variant type: single nucleotide variant.
Coding change: c.307C>T on transcript NM_000181.4 (MANE Select); coding-DNA position 307, C replaced by T.
Protein change: p.Arg103Trp; replaces arginine 103 with tryptophan.
Molecular consequence: missense variant. On other transcripts: 5 prime UTR variant (2), non-coding transcript variant (1).
Genome position (GRCh38, 1-based): chr7:65,980,313, G>A on the plus strand (C>T on the coding strand, the complement: GUSB is on the minus strand). VCF-style: chr7-65980313-G-A. GRCh37 (hg19) VCF-style: chr7-65445300-G-A.
Other names: c.307C>T, p.Arg103Trp (NM_001284290.2); c.-79C>T (NM_001293104.2); c.-23C>T (NM_001293105.2); short protein forms R103W.
Identifiers: ClinVar variation 190463 (VCV000190463.6), dbSNP rs786205673, ClinGen allele CA199721.

ClinVar aggregate classification (germline): Conflicting classifications of pathogenicity. Review status: criteria provided, conflicting classifications (1 of 4 stars). 4 submissions from 3 submitters: Likely pathogenic (2); Uncertain significance (1). 1 of the submissions does not count toward it. Last evaluated 2024-02-11.

Conditions:
Non-immune hydrops fetalis (NIHF). Also called: Idiopathic hydrops fetalis; Familial non-immune hydrops fetalis; Fetal edema. Identifiers: Orphanet 363999, MedGen C0455988, MONDO:0009369, OMIM 236750, HP:0001790.
Mucopolysaccharidosis type 7 (MPS7). Also called: GUSB DEFICIENCY; SLY SYNDROME; BETA-GLUCURONIDASE DEFICIENCY; MPS VII. Identifiers: Orphanet 584, MedGen C0085132, MONDO:0009662, OMIM 253220.

Allele frequency attached by ClinVar (database versions not stated): gnomAD 0.00001; gnomAD exomes 0.00001 and 0.00002; TOPMed 0.00003.

Submissions (4):

Genomic Medicine Center of Excellence, King Faisal Specialist Hospital and Research Centre
Classification: Likely pathogenic for Mucopolysaccharidosis type 7. Last evaluated: 2024-02-11. Review status: criteria provided, single submitter. Criteria: ACMG Guidelines, 2015. Collection method: research. Allele origin: germline.

Labcorp Genetics (formerly Invitae), Labcorp
Classification: Uncertain significance for Mucopolysaccharidosis type 7. Last evaluated: 2022-08-01. Review status: criteria provided, single submitter. Criteria: Invitae Variant Classification Sherloc (09022015). Collection method: clinical testing. Allele origin: germline.
Comment: This sequence change replaces arginine, which is basic and polar, with tryptophan, which is neutral and slightly polar, at codon 103 of the GUSB protein (p.Arg103Trp). This variant is present in population databases (rs786205673, gnomAD 0.007%). This missense change has been observed in individual(s) with non-immune hydrops (PMID: 31130284). ClinVar contains an entry for this variant (Variation ID: 190463). Algorithms developed to predict the effect of missense changes on protein structure and function are either unavailable or do not agree on the potential impact of this missense change (SIFT: "Deleterious"; PolyPhen-2: "Possibly Damaging"; Align-GVGD: "Class C0"). In summary, the available evidence is currently insufficient to determine the role of this variant in disease. Therefore, it has been classified as a Variant of Uncertain Significance.

Genomic Medicine Center of Excellence, King Faisal Specialist Hospital and Research Centre
Classification: Likely pathogenic for Non-Immune hydrops fetalis. Last evaluated: 2014-12-29. Review status: criteria provided, single submitter. Criteria: Submitter's publication. Collection method: research. Allele origin: germline. Affected: yes. Observed: 1 homozygote.

Biochemical Molecular Genetic Laboratory, King Abdulaziz Medical City
Classification: Pathogenic for Mucopolysaccharidosis type 7. Last evaluated: 2020-09-10. Review status: no assertion criteria provided. Collection method: clinical testing. Allele origin: germline. Affected: yes. Not counted in ClinVar's aggregate classification.

Literature cited by the submitters: PubMed 31130284 (cited by Labcorp Genetics (formerly Invitae), Labcorp).